The following is an entry in ClinVar:

ClinVar aggregate classification (germline): Pathogenic/Likely pathogenic. Review status: criteria provided, multiple submitters, no conflicts (2 of 4 stars). 7 submissions from 7 submitters: Pathogenic (5); Likely pathogenic (2). Last evaluated 2023-09-22.

Conditions:
Mucopolysaccharidosis, MPS-IV-A (MPS4A). Also called: MPS IVA; Morquio syndrome A, mild; GALACTOSAMINE-6-SULFATASE DEFICIENCY; GALNS DEFICIENCY; MORQUIO A DISEASE; Mucopolysaccharidosis type IV A. Identifiers: Orphanet 309297, Orphanet 582, MedGen C0086651, MONDO:0009659, OMIM 253000.

Allele frequency attached by ClinVar (database versions not stated): gnomAD 0.00001 and 0.00002; ExAC 0.00002; gnomAD exomes 0.00002 and 0.00003; 1000 Genomes Project 30x 0.00016; 1000 Genomes Project 0.00020.
gnomAD v4.1: 16 of 1,614,010 alleles (0.00099%); highest among the groups gnomAD compares: South Asian, 0.015%; no homozygotes.

Submissions (7):

Labcorp Genetics (formerly Invitae), Labcorp
Classification: Pathogenic for Mucopolysaccharidosis, MPS-IV-A. Last evaluated: 2023-09-22. Review status: criteria provided, single submitter. Criteria: Invitae Variant Classification Sherloc (09022015). Collection method: clinical testing. Allele origin: germline.
Comment: For these reasons, this variant has been classified as Pathogenic. This variant disrupts the p.Pro151 amino acid residue in GALNS. Other variant(s) that disrupt this residue have been determined to be pathogenic (PMID: 22327063). This suggests that this residue is clinically significant, and that variants that disrupt this residue are likely to be disease-causing. Advanced modeling of protein sequence and biophysical properties (such as structural, functional, and spatial information, amino acid conservation, physicochemical variation, residue mobility, and thermodynamic stability) performed at Invitae indicates that this missense variant is expected to disrupt GALNS protein function. ClinVar contains an entry for this variant (Variation ID: 873056). This missense change has been observed in individual(s) with mucopolysaccharidosis type IVA (PMID: 7633425, 8651279, 23876334). This variant is present in population databases (rs559063128, gnomAD 0.02%). This sequence change replaces proline, which is neutral and non-polar, with leucine, which is neutral and non-polar, at codon 151 of the GALNS protein (p.Pro151Leu).

Neuberg Centre For Genomic Medicine, NCGM
Classification: Pathogenic for Mucopolysaccharidosis, MPS-IV-A. Last evaluated: 2023-06-02. Review status: criteria provided, single submitter. Criteria: ACMG Guidelines, 2015. Collection method: clinical testing. Allele origin: germline. Inheritance: Autosomal recessive inheritance. Affected: yes.
Comment: The observed missense variant c.452C>T(p.Pro151Leu) in GALNS gene has been reported previously in homozygous state in multiple individuals with mucopolysaccharidosis type IVA (Sheth H, et al., 2022, Dũng VC, et al., 2013). A different amino acid change p.Pro151Thr as a known pathogenic variant has been reported ( Xie J, et al., 2019). The c.452C>T variant has 0.003% allele frequency in gnomAD Exomes. This variant has been reported to the ClinVar database as Pathogenic/Likely Pathogenic. The amino acid Proline at position 151 is changed to a Leucine changing protein sequence and it might alter its composition and physico-chemical properties. Multiple lines of computational evidence (Polyphen-probably damaging, SIFT-damaging and Mutation Taster-disease causing) predict a damaging effect on protein structure and function for this variantThe reference amino acid p.Pro151Leu in GALNS is predicted as conserved by GERP++ and PhyloP across 100 vertebrates. For these reasons, this variant has been classified as Pathogenic.

3billion
Classification: Pathogenic for Mucopolysaccharidosis, MPS-IV-A. Last evaluated: 2022-01-03. Review status: criteria provided, single submitter. Criteria: ACMG Guidelines, 2015. Collection method: clinical testing. Allele origin: germline. Affected: yes. Observed: 1 homozygote.
Comment: Same nucleotide change resulting in same amino acid change has been previously reported as pathogenic/likely pathogenic with strong evidence (ClinVar ID: VCV000873056, PMID:7633425, PS1_S). A different missense change at the same codon has been reported as pathogenic/likely pathogenic with strong evidence (ClinVar ID: VCV000321205, PMID:7795586,23227063,27243974, PM5_M). In silico tool predictions suggest damaging effect of the variant on gene or gene product (REVEL: 0.971, 3CNET: 0.993, PP3_P). It is observed at an extremely low frequency in the gnomAD v2.1.1 dataset (total allele frequency: 0.000028, PM2_M). Therefore, this variant is classified as pathogenic according to the recommendation of ACMG/AMP guideline.

Genome-Nilou Lab
Classification: Likely pathogenic for Mucopolysaccharidosis, MPS-IV-A. Last evaluated: 2021-11-07. Review status: criteria provided, single submitter. Criteria: ACMG Guidelines, 2015. Collection method: clinical testing. Allele origin: germline. Affected: no.

Laboratory of Diagnosis and Therapy of Lysosomal Disorders, University of Padova
Classification: Pathogenic for Mucopolysaccharidosis, MPS-IV-A. Last evaluated: 2021-02-01. Review status: criteria provided, single submitter. Criteria: ACMG Guidelines, 2015. Collection method: curation. Allele origin: germline. Affected: yes.
Comment: In vitro and in vivo functional studies supportive of a damaging effect on the gene product (low to null enzymatic activity in homozygotes; low to null in vitro enzymatic activity; PS3_strong); the prevalence of the variant in affected individuals is significantly increased compared with the prevalence in controls (PS4_strong); very low frequency in gnomAD v2.1.1 (PM2_moderate); multiple lines of computational evidence support a deleterious effect on the gene (PP3_supporting)

CENTOGENE GmbH and LLC - Guiding Precision Medicine
Classification: Pathogenic for Mucopolysaccharidosis type IVA. Review status: criteria provided, single submitter. Criteria: ACMG Guidelines, 2015. Collection method: clinical testing. Allele origin: germline. Affected: yes.

Foundation for Research in Genetics and Endocrinology, FRIGE's Institute of Human Genetics
Classification: Likely pathogenic for Mucopolysaccharidosis, MPS-IV-A. Review status: criteria provided, single submitter. Criteria: ACMG Guidelines, 2015. Collection method: clinical testing. Allele origin: germline. Inheritance: Autosomal recessive inheritance. Affected: yes. Observed: 1 homozygote.
Comment: A homozygous missense variation in exon 5 of the GALNS gene that results in the amino acid substitution of Leucine for Proline at codon 151 was detected. The observed variant c.452C>T(p.Pro151Leu) has not been reported in the 1000 genomes and ExAC databases. The in silico prediction of the variant is damaging by LRT and MutationTaster2. The reference codon is conserved across species. The allele frequency of the variant is Æ’ = 0.0000279 in gnomAD Exomes. In summary, the variant meets our criteria to be classified as likely pathogenic.

Literature cited by the submitters: PubMed 22327063 (cited by Labcorp Genetics (formerly Invitae), Labcorp); PubMed 7633425 (cited by 3 submitters); PubMed 8651279 (cited by Labcorp Genetics (formerly Invitae), Labcorp and Laboratory of Diagnosis and Therapy of Lysosomal Disorders, University of Padova); PubMed 23876334 (cited by Labcorp Genetics (formerly Invitae), Labcorp and Laboratory of Diagnosis and Therapy of Lysosomal Disorders, University of Padova); PubMed 7795586 (cited by 3billion); PubMed 24726177 (cited by Laboratory of Diagnosis and Therapy of Lysosomal Disorders, University of Padova); PubMed 25252036 (cited by Laboratory of Diagnosis and Therapy of Lysosomal Disorders, University of Padova); PubMed 34387910 (cited by Laboratory of Diagnosis and Therapy of Lysosomal Disorders, University of Padova).

NM_000512.5(GALNS):c.452C>T (p.Pro151Leu)

Gene: GALNS (galactosamine (N-acetyl)-6-sulfatase; minus strand). Cytogenetic location: 16q24.3.
Variant type: single nucleotide variant.
Coding change: c.452C>T on transcript NM_000512.5 (MANE Select); coding-DNA position 452, C replaced by T.
Protein change: p.Pro151Leu; replaces proline 151 with leucine.
Molecular consequence: missense variant. On other transcripts: 5 prime UTR variant (1).
Genome position (GRCh38, 1-based): chr16:88,837,736, G>A on the plus strand (C>T on the coding strand, the complement: GALNS is on the minus strand). VCF-style: chr16-88837736-G-A. GRCh37 (hg19) VCF-style: chr16-88904144-G-A.
Other names: c.-104C>T (NM_001323543.2); c.470C>T, p.Pro157Leu (NM_001323544.2); short protein forms P157L, P151L.
Identifiers: ClinVar variation 873056 (VCV000873056.19), dbSNP rs559063128, ClinGen allele CA8235132.
Genomic context (GRCh38, chr16:88,837,736, plus strand): 5'-TCATAAGGTCCAAAGTGGCAGTTGGGGGATCCAAACCACTCATCAAATCCGTGCTTCAGG[G>A]GGTGGAACTGGGGCCTGTGACCCAGATGCCTGGAAACAGGAACCCAGGACACTTCAGGGA-3'
Protein context (NP_000503.1, residues 141-161): WHLGHRPQFH[Pro151Leu]LKHGFDEWFG